The following is an entry in ClinVar:

ClinVar aggregate classification (germline): Uncertain significance. Review status: criteria provided, multiple submitters, no conflicts (2 of 4 stars). 2 submissions from 2 submitters: Uncertain significance (2). Last evaluated 2023-02-19.

Conditions:
Autoimmune interstitial lung disease-arthritis syndrome. Also called: Autoinflammation and autoimmunity, systemic, with immune dysregulation. Identifiers: Orphanet 444092, MedGen C5975714, MONDO:0014629.
Inborn genetic diseases. Identifiers: MedGen C0950123, MeSH D030342.

Allele frequency attached by ClinVar (database versions not stated): gnomAD exomes below 0.00001; TOPMed 0.00001.
gnomAD v4.1: 3 of 1,613,646 alleles (0.00019%); highest among the groups gnomAD compares: African/African-American, 0.0013%; no homozygotes.

Submissions (2):

Labcorp Genetics (formerly Invitae), Labcorp
Classification: Uncertain significance for Autoimmune interstitial lung disease-arthritis syndrome. Last evaluated: 2023-02-19. Review status: criteria provided, single submitter. Criteria: Invitae Variant Classification Sherloc (09022015). Collection method: clinical testing. Allele origin: germline.
Comment: This sequence change replaces isoleucine, which is neutral and non-polar, with valine, which is neutral and non-polar, at codon 273 of the COPA protein (p.Ile273Val). In summary, the available evidence is currently insufficient to determine the role of this variant in disease. Therefore, it has been classified as a Variant of Uncertain Significance. Advanced modeling of protein sequence and biophysical properties (such as structural, functional, and spatial information, amino acid conservation, physicochemical variation, residue mobility, and thermodynamic stability) performed at Invitae indicates that this missense variant is not expected to disrupt COPA protein function. This variant has not been reported in the literature in individuals affected with COPA-related conditions. This variant is not present in population databases (gnomAD no frequency).

Ambry Genetics
Classification: Uncertain significance for Inborn genetic diseases. Last evaluated: 2022-03-03. Review status: criteria provided, single submitter. Criteria: Ambry Variant Classification Scheme 2023. Collection method: clinical testing. Allele origin: germline.

NM_004371.4(COPA):c.817A>G (p.Ile273Val)

Gene: COPA (coat protein complex I subunit alpha; minus strand). Cytogenetic location: 1q23.2.
Variant type: single nucleotide variant.
Coding change: c.817A>G on transcript NM_004371.4 (MANE Select); coding-DNA position 817, A replaced by G.
Protein change: p.Ile273Val; replaces isoleucine 273 with valine.
Molecular consequence: missense variant.
Genome position (GRCh38, 1-based): chr1:160,314,015, T>C on the plus strand (A>G on the coding strand, the complement: COPA is on the minus strand). VCF-style: chr1-160314015-T-C. GRCh37 (hg19) VCF-style: chr1-160283805-T-C.
Other names: c.817A>G, p.Ile273Val (NM_001098398.2); short protein forms I273V.
Identifiers: ClinVar variation 2278003 (VCV002278003.5), dbSNP rs1372666467, ClinGen allele CA343263727.